The following is an entry in ClinVar:

ClinVar aggregate classification (germline): Uncertain significance (1 of 4 stars; one submission).

Submission:

Greenwood Genetic Center Diagnostic Laboratories, Greenwood Genetic Center
Classification: Uncertain significance. Last evaluated: 2021-09-01. Review status: criteria provided, single submitter. Criteria: ACMG Guidelines, 2015. Collection method: clinical testing. Allele origin: germline. Affected: yes.
Comment: PP2, PP3, PM2

NM_001375524.1(TRRAP):c.9529A>C (p.Thr3177Pro)

Gene: TRRAP (transformation/transcription domain associated protein; plus strand). Cytogenetic location: 7q22.1.
Variant type: single nucleotide variant.
Coding change: c.9529A>C on transcript NM_001375524.1 (MANE Select); coding-DNA position 9529, A replaced by C.
Protein change: p.Thr3177Pro; replaces threonine 3177 with proline.
Molecular consequence: missense variant.
Genome position (GRCh38, 1-based): chr7:98,988,904, A>C. VCF-style: chr7-98988904-A-C. GRCh37 (hg19) VCF-style: chr7-98586527-A-C.
Other names: c.9541A>C, p.Thr3181Pro (NM_001244580.2); c.9454A>C, p.Thr3152Pro (NM_003496.4); short protein forms T3152P, T3177P, T3181P.
Identifiers: ClinVar variation 1334566 (VCV001334566.4), dbSNP rs1584397134, ClinGen allele CA368323436.
Genomic context (GRCh38, chr7:98,988,904, plus strand): 5'-GACTACCTGGAGAACATCTTTGTGAAGGAGCGGCAGCTGCACCTGGGCGTGTCTGCCATC[A>C]CCTGCTACCTGCACGCCTGCCGGCATCAGAACGAGAGCAAATCGAGGAAATACTTAGCCA-3'
Protein context (NP_001362453.1, residues 3167-3187): RQLHLGVSAI[Thr3177Pro]CYLHACRHQN